The following is an entry in ClinVar:

ClinVar aggregate classification (germline): Uncertain significance (1 of 4 stars; one submission).

Submission:

Labcorp Genetics (formerly Invitae), Labcorp
Classification: Uncertain significance. Last evaluated: 2022-02-05. Review status: criteria provided, single submitter. Criteria: Invitae Variant Classification Sherloc (09022015). Collection method: clinical testing. Allele origin: germline.
Comment: This sequence change creates a premature translational stop signal (p.Ala590Serfs*27) in the MAK gene. While this is not anticipated to result in nonsense mediated decay, it is expected to disrupt the last 59 amino acid(s) of the MAK protein. In summary, the available evidence is currently insufficient to determine the role of this variant in disease. Therefore, it has been classified as a Variant of Uncertain Significance. Experimental studies and prediction algorithms are not available or were not evaluated, and the functional significance of this variant is currently unknown. This variant has not been reported in the literature in individuals affected with MAK-related conditions. This variant is not present in population databases (gnomAD no frequency).

NM_001242957.3(MAK):c.1764dup (p.Ala590fs)

Gene: MAK (male germ cell associated kinase; minus strand). Cytogenetic location: 6p24.2.
Variant type: Duplication.
Coding change: c.1764dup on transcript NM_001242957.3 (MANE Select); coding-DNA position 1764, one base duplicated (C; older notation c.1764dupC).
Protein change: p.Ala590fs; shifts the reading frame from alanine 590.
Molecular consequence: frameshift variant. On other transcripts: non-coding transcript variant (2), intron variant (2).
Genome position (GRCh38, 1-based): chr6:10,770,139, G duplicated on the plus strand (C on the coding strand, the reverse complement: MAK is on the minus strand). VCF-style (leftmost placement, unchanged base first): chr6-10770138-A-AG. GRCh37 (hg19) VCF-style: chr6-10770371-A-AG.
Other names: c.1689dup, p.Ala565fs (NM_005906.6); c.1495+5189dup (NM_001377262.1); c.1597+5189dup (NM_001242385.2); short protein forms A565fs, A590fs.
Identifiers: ClinVar variation 1501482 (VCV001501482.8), dbSNP rs2127511187, ClinGen allele CA2573140160.